The following is an entry in ClinVar:

NM_213599.3(ANO5):c.648+257G>A

Gene: ANO5 (anoctamin 5; plus strand). Cytogenetic location: 11p14.3.
Variant type: single nucleotide variant.
Coding change: c.648+257G>A on transcript NM_213599.3 (MANE Select); 257 bases into the intron after coding-DNA position 648, G replaced by A.
Molecular consequence: intron variant.
Genome position (GRCh38, 1-based): chr11:22,227,843, G>A. VCF-style: chr11-22227843-G-A. GRCh37 (hg19) VCF-style: chr11-22249389-G-A.
Other names: c.645+257G>A (NM_001142649.2).
Identifiers: ClinVar variation 673917 (VCV000673917.1), dbSNP rs7951567, ClinGen allele CA16412031.

ClinVar aggregate classification (germline): Benign (1 of 4 stars; one submission).

Allele frequency attached by ClinVar (database versions not stated): gnomAD 0.13975 and 0.14470; TOPMed 0.15679; 1000 Genomes Project 0.19988; 1000 Genomes Project 30x 0.20222.
gnomAD v4.1: 21,031 of 151,924 alleles (14%); highest among the groups gnomAD compares: African/African-American, 44%; 4,200 homozygotes.

Submission:

GeneDx
Classification: Benign. Last evaluated: 2018-06-18. Review status: criteria provided, single submitter. Criteria: GeneDx Variant Classification (06012015). Collection method: clinical testing. Allele origin: germline. Affected: yes.
Comment: This variant is considered likely benign or benign based on one or more of the following criteria: it is a conservative change, it occurs at a poorly conserved position in the protein, it is predicted to be benign by multiple in silico algorithms, and/or has population frequency not consistent with disease.